The following is an entry in ClinVar:

NM_012134.3(LMOD1):c.1600C>T (p.Pro534Ser)

Gene: LMOD1 (leiomodin 1; minus strand). Cytogenetic location: 1q32.1.
Variant type: single nucleotide variant.
Coding change: c.1600C>T on transcript NM_012134.3 (MANE Select); coding-DNA position 1600, C replaced by T.
Protein change: p.Pro534Ser; replaces proline 534 with serine.
Molecular consequence: missense variant.
Genome position (GRCh38, 1-based): chr1:201,899,413, G>A on the plus strand (C>T on the coding strand, the complement: LMOD1 is on the minus strand). VCF-style: chr1-201899413-G-A. GRCh37 (hg19) VCF-style: chr1-201868541-G-A.
Other names: short protein forms P534S.
Identifiers: ClinVar variation 4979656 (VCV004979656.1).

ClinVar aggregate classification (germline): Likely benign (1 of 4 stars; one submission).

Conditions:
LMOD1-related condition.

gnomAD v4.1: 143 of 1,613,116 alleles (0.0089%); highest among the groups gnomAD compares: South Asian, 0.15%; 1 homozygote.

Submission:

PreventionGenetics, part of Exact Sciences
Classification: Likely benign for LMOD1-related condition. Last evaluated: 2026-05-15. Review status: criteria provided, single submitter. Criteria: ACMG Guidelines, 2015. Collection method: clinical testing. Allele origin: germline.
Comment: This variant is classified as likely benign based on ACMG/AMP sequence variant interpretation guidelines (Richards et al. 2015 PMID: 25741868, with internal and published modifications).